The following is an entry in ClinVar:

NM_000038.6(APC):c.3574A>C (p.Lys1192Gln)

Gene: APC (APC regulator of Wnt signaling pathway; plus strand). Cytogenetic location: 5q22.2.
Variant type: single nucleotide variant.
Coding change: c.3574A>C on transcript NM_000038.6 (MANE Select); coding-DNA position 3574, A replaced by C.
Protein change: p.Lys1192Gln; replaces lysine 1192 with glutamine.
Molecular consequence: missense variant.
Genome position (GRCh38, 1-based): chr5:112,839,168, A>C. VCF-style: chr5-112839168-A-C. GRCh37 (hg19) VCF-style: chr5-112174865-A-C.
Other names: c.3574A>C (NM_000038.5); c.3574A>C, p.Lys1192Gln (NM_001127510.3, NM_001354895.2, NM_001407450.1); c.3520A>C, p.Lys1174Gln (NM_001127511.3); c.3628A>C, p.Lys1210Gln (NM_001354896.2, NM_001407447.1, NM_001407448.1 and 1 more transcripts); c.3604A>C, p.Lys1202Gln (NM_001354897.2); c.3499A>C, p.Lys1167Gln (NM_001354898.2); c.3490A>C, p.Lys1164Gln (NM_001354899.2); c.3451A>C, p.Lys1151Gln (NM_001354900.2); and 12 more; short protein forms K1091Q, K1167Q, K1192Q, K1210Q, K1063Q, K1066Q, K1220Q, K909Q.
Identifiers: ClinVar variation 2100793 (VCV002100793.5), dbSNP rs2149894701, ClinGen allele CA16029181.

ClinVar aggregate classification (germline): Uncertain significance. Review status: criteria provided, multiple submitters, no conflicts (2 of 4 stars). 2 submissions from 2 submitters: Uncertain significance (2). Last evaluated 2024-11-11.

Conditions:
Hereditary cancer-predisposing syndrome. Also called: Hereditary Cancer Syndrome; Tumor predisposition; Neoplastic Syndromes, Hereditary; Hereditary neoplastic syndrome. Identifiers: Orphanet 140162, MedGen C0027672, MeSH D009386, MONDO:0015356.
Familial adenomatous polyposis 1 (FAP1). Also called: FAMILIAL ADENOMATOUS POLYPOSIS 1, ATTENUATED; POLYPOSIS, ADENOMATOUS INTESTINAL. Identifiers: MedGen C2713442, MONDO:0021056, OMIM 175100. Disease mechanism: loss of function.

Submissions (2):

Labcorp Genetics (formerly Invitae), Labcorp
Classification: Uncertain significance for Familial adenomatous polyposis 1. Last evaluated: 2024-11-11. Review status: criteria provided, single submitter. Criteria: Invitae Variant Classification Sherloc (09022015). Collection method: clinical testing. Allele origin: germline.
Comment: This sequence change replaces lysine, which is basic and polar, with glutamine, which is neutral and polar, at codon 1192 of the APC protein (p.Lys1192Gln). This variant is not present in population databases (gnomAD no frequency). This variant has not been reported in the literature in individuals affected with APC-related conditions. ClinVar contains an entry for this variant (Variation ID: 2100793). Invitae Evidence Modeling of protein sequence and biophysical properties (such as structural, functional, and spatial information, amino acid conservation, physicochemical variation, residue mobility, and thermodynamic stability) indicates that this missense variant is not expected to disrupt APC protein function with a negative predictive value of 95%. In summary, the available evidence is currently insufficient to determine the role of this variant in disease. Therefore, it has been classified as a Variant of Uncertain Significance.

Ambry Genetics
Classification: Uncertain significance for Hereditary cancer-predisposing syndrome. Last evaluated: 2024-03-09. Review status: criteria provided, single submitter. Criteria: Ambry Variant Classification Scheme 2023. Collection method: clinical testing. Allele origin: germline.
Comment: The p.K1192Q variant (also known as c.3574A>C), located in coding exon 15 of the APC gene, results from an A to C substitution at nucleotide position 3574. The lysine at codon 1192 is replaced by glutamine, an amino acid with similar properties. This amino acid position is conserved. In addition, in silico predictors for this gene do not accurately predict pathogenicity. Based on the available evidence, the clinical significance of this alteration remains unclear.